The following is an entry in ClinVar:

ClinVar aggregate classification (germline): Uncertain significance (1 of 4 stars; one submission).

Conditions:
Trichorhinophalangeal dysplasia type I (TRPS1). Also called: TRICHORHINOPHALANGEAL SYNDROME, TYPE I; TRPS I. Identifiers: Orphanet 77258, MedGen C0432233, MONDO:0008596, OMIM 190350.
Trichorhinophalangeal syndrome, type III (TRPS3). Also called: SUGIO-KAJII SYNDROME. Identifiers: Orphanet 77258, MedGen C1860823, OMIM 190351, MONDO:0008597.

Submission:

Labcorp Genetics (formerly Invitae), Labcorp
Classification: Uncertain significance for Trichorhinophalangeal syndrome, type III; Trichorhinophalangeal dysplasia type I. Last evaluated: 2025-08-08. Review status: criteria provided, single submitter. Criteria: Invitae Variant Classification Sherloc (09022015). Collection method: clinical testing. Allele origin: germline.
Comment: This sequence change replaces valine, which is neutral and non-polar, with isoleucine, which is neutral and non-polar, at codon 384 of the TRPS1 protein (p.Val384Ile). This variant is not present in population databases (gnomAD no frequency). This variant has not been reported in the literature in individuals affected with TRPS1-related conditions. Invitae Evidence Modeling of protein sequence and biophysical properties (such as structural, functional, and spatial information, amino acid conservation, physicochemical variation, residue mobility, and thermodynamic stability) indicates that this missense variant is not expected to disrupt TRPS1 protein function with a negative predictive value of 80%. In summary, the available evidence is currently insufficient to determine the role of this variant in disease. Therefore, it has been classified as a Variant of Uncertain Significance.

NM_014112.5(TRPS1):c.1150G>A (p.Val384Ile)

Gene: TRPS1 (transcriptional repressor GATA binding 1; minus strand). Cytogenetic location: 8q23.3.
Variant type: single nucleotide variant.
Coding change: c.1150G>A on transcript NM_014112.5 (MANE Select); coding-DNA position 1150, G replaced by A.
Protein change: p.Val384Ile; replaces valine 384 with isoleucine.
Molecular consequence: missense variant.
Genome position (GRCh38, 1-based): chr8:115,604,819, C>T on the plus strand (G>A on the coding strand, the complement: TRPS1 is on the minus strand). VCF-style: chr8-115604819-C-T. GRCh37 (hg19) VCF-style: chr8-116617046-C-T.
Other names: c.1123G>A, p.Val375Ile (NM_001282902.3); c.1129G>A, p.Val377Ile (NM_001282903.3); c.1111G>A, p.Val371Ile (NM_001330599.2); short protein forms V377I, V371I, V384I, V375I.
Identifiers: ClinVar variation 4788286 (VCV004788286.1).